The following is an entry in ClinVar:

ClinVar aggregate classification (germline): Conflicting classifications of pathogenicity. Review status: criteria provided, conflicting classifications (1 of 4 stars). 2 submissions from 2 submitters: Uncertain significance (1); Likely benign (1). Last evaluated 2024-10-15.

Conditions:
Inborn genetic diseases. Identifiers: MedGen C0950123, MeSH D030342.

Allele frequency attached by ClinVar (database versions not stated): ExAC 0.00001; gnomAD 0.00001; TOPMed 0.00002.

Submissions (2):

Ambry Genetics
Classification: Likely benign for Inborn genetic diseases. Last evaluated: 2024-10-15. Review status: criteria provided, single submitter. Criteria: Ambry Variant Classification Scheme 2023. Collection method: clinical testing. Allele origin: germline.

Labcorp Genetics (formerly Invitae), Labcorp
Classification: Uncertain significance. Last evaluated: 2023-11-18. Review status: criteria provided, single submitter. Criteria: Invitae Variant Classification Sherloc (09022015). Collection method: clinical testing. Allele origin: germline.
Comment: This sequence change replaces valine, which is neutral and non-polar, with methionine, which is neutral and non-polar, at codon 1499 of the ASXL1 protein (p.Val1499Met). This variant is present in population databases (rs761827265, gnomAD 0.008%). This variant has not been reported in the literature in individuals affected with ASXL1-related conditions. Algorithms developed to predict the effect of missense changes on protein structure and function output the following: SIFT: "Not Available"; PolyPhen-2: "Probably Damaging"; Align-GVGD: "Not Available". The methionine amino acid residue is found in multiple mammalian species, which suggests that this missense change does not adversely affect protein function. In summary, the available evidence is currently insufficient to determine the role of this variant in disease. Therefore, it has been classified as a Variant of Uncertain Significance.

NM_015338.6(ASXL1):c.4495G>A (p.Val1499Met)

Gene: ASXL1 (ASXL transcriptional regulator 1; plus strand). Cytogenetic location: 20q11.21.
Variant type: single nucleotide variant.
Coding change: c.4495G>A on transcript NM_015338.6 (MANE Select); coding-DNA position 4495, G replaced by A.
Protein change: p.Val1499Met; replaces valine 1499 with methionine.
Molecular consequence: missense variant.
Genome position (GRCh38, 1-based): chr20:32,437,207, G>A. VCF-style: chr20-32437207-G-A. GRCh37 (hg19) VCF-style: chr20-31025010-G-A.
Other names: c.4312G>A, p.Val1438Met (NM_001363734.1); short protein forms V1499M, V1438M.
Identifiers: ClinVar variation 2807185 (VCV002807185.4), dbSNP rs761827265, ClinGen allele CA9809038.